The following is an entry in ClinVar:

NM_001329943.3(KIAA0586):c.3859-3_3865del

Gene: KIAA0586 (KIAA0586; plus strand). Cytogenetic location: 14q23.1.
Variant type: Deletion.
Coding change: c.3859-3_3865del on transcript NM_001329943.3 (MANE Select); 3 bases into the intron before coding-DNA position 3859 through coding-DNA position 3865, 10 bases deleted (TAGGAGGATG; older notation c.3859-3_3865delTAGGAGGATG).
Molecular consequence: splice acceptor variant. On other transcripts: intron variant (1).
Genome position (GRCh38, 1-based): chr14:58,492,141-58,492,150, TAGGAGGATG deleted. VCF-style (leftmost placement, unchanged base first): chr14-58492140-TTAGGAGGATG-T. GRCh37 (hg19) VCF-style: chr14-58958858-TTAGGAGGATG-T.
Other names: c.4018-3_4024del (NM_001244189.2); c.3814-3_3820del (NM_001244190.2); c.3727-3_3733del (NM_001244192.2); c.3604-3_3610del (NM_001244191.2, NM_001364701.2, NM_001329945.2 and 1 more transcripts); c.3859-3_3865del (NM_001329944.2, NM_001329946.2); c.3858+1901_3858+1910del (NM_001329947.2); c.3631-3_3637del (NM_014749.5); c.3439-3_3445del (NM_001244193.2).
Identifiers: ClinVar variation 2150862 (VCV002150862.4), dbSNP rs2543762704, ClinGen allele CA2580088288.

ClinVar aggregate classification (germline): Likely pathogenic (1 of 4 stars; one submission).

Conditions:
Joubert syndrome 23 (JBTS23). Identifiers: Orphanet 475, MedGen C4084822, MONDO:0014664, OMIM 616490.
Short-rib thoracic dysplasia 14 with polydactyly (SRTD14). Identifiers: Orphanet 397715, MedGen C4225286, MONDO:0014688, OMIM 616546.

Submission:

Labcorp Genetics (formerly Invitae), Labcorp
Classification: Likely pathogenic for Joubert syndrome 23; Short-rib thoracic dysplasia 14 with polydactyly. Last evaluated: 2023-08-17. Review status: criteria provided, single submitter. Criteria: Invitae Variant Classification Sherloc (09022015). Collection method: clinical testing. Allele origin: germline.
Comment: This variant results in the deletion of part of exon 28 of the KIAA0586 gene. It is expected to disrupt RNA splicing. Variants that disrupt the donor or acceptor splice site typically lead to a loss of protein function (PMID: 16199547), and loss-of-function variants in KIAA0586 are known to be pathogenic (PMID: 26096313, 26166481, 26386044). This variant is not present in population databases (gnomAD no frequency). This variant has not been reported in the literature in individuals affected with KIAA0586-related conditions. ClinVar contains an entry for this variant (Variation ID: 2150862). In summary, the currently available evidence indicates that the variant is pathogenic, but additional data are needed to prove that conclusively. Therefore, this variant has been classified as Likely Pathogenic.

Literature cited by the submitters: PubMed 16199547; PubMed 26096313; PubMed 26166481; PubMed 26386044.